The following is an entry in ClinVar:

ClinVar aggregate classification (germline): Uncertain significance (1 of 4 stars; one submission).

Conditions:
Hereditary cancer-predisposing syndrome. Also called: Tumor predisposition; Hereditary neoplastic syndrome; Hereditary Cancer Syndrome; Neoplastic Syndromes, Hereditary. Identifiers: Orphanet 140162, MedGen C0027672, MeSH D009386, MONDO:0015356.

Submission:

Ambry Genetics
Classification: Uncertain significance for Hereditary cancer-predisposing syndrome. Last evaluated: 2025-05-11. Review status: criteria provided, single submitter. Criteria: Ambry Variant Classification Scheme 2023. Collection method: clinical testing. Allele origin: germline.
Comment: The p.N290S variant (also known as c.869A>G), located in coding exon 9 of the RB1 gene, results from an A to G substitution at nucleotide position 869. The asparagine at codon 290 is replaced by serine, an amino acid with highly similar properties. This amino acid position is conserved. In addition, this alteration is predicted to be tolerated by in silico analysis. Based on the available evidence, the clinical significance of this variant remains unclear.

NM_000321.3(RB1):c.869A>G (p.Asn290Ser)

Gene: RB1 (RB transcriptional corepressor 1; plus strand). Cytogenetic location: 13q14.2.
Variant type: single nucleotide variant.
Coding change: c.869A>G on transcript NM_000321.3 (MANE Select); coding-DNA position 869, A replaced by G.
Protein change: p.Asn290Ser; replaces asparagine 290 with serine.
Molecular consequence: missense variant.
Genome position (GRCh38, 1-based): chr13:48,364,901, A>G. VCF-style: chr13-48364901-A-G. GRCh37 (hg19) VCF-style: chr13-48939037-A-G.
Other names: c.869A>G, p.Asn290Ser (NM_001407165.1, NM_001407166.1); short protein forms N290S.
Identifiers: ClinVar variation 3943358 (VCV003943358.1).